The following is an entry in ClinVar:

NR_001566.3(TERC):n.219delG

Genes: TERC (telomerase RNA component; minus strand), LOC110806306 (telomerase RNA component (TERC) promoter; plus strand). Cytogenetic location: 3q26.2.
Variant type: Deletion.
Genome position: GRCh38 VCF-style: chr3-169764839-AC-A. GRCh37 (hg19) VCF-style: chr3-169482627-AC-A.
Identifiers: ClinVar variation 2818331 (VCV002818331.3), dbSNP rs2474262267, ClinGen allele CA2739277857.

ClinVar aggregate classification (germline): Uncertain significance (1 of 4 stars; one submission).

Conditions:
Dyskeratosis congenita, autosomal dominant 1 (DKCA1). Also called: Dyskeratosis congenita Scoggins type. Identifiers: Orphanet 1775, MedGen C4551974, MONDO:0007485, OMIM 127550. Inheritance: Variable.

Submission:

Labcorp Genetics (formerly Invitae), Labcorp
Classification: Uncertain significance for Dyskeratosis congenita, autosomal dominant 1. Last evaluated: 2022-12-03. Review status: criteria provided, single submitter. Criteria: Invitae Variant Classification Sherloc (09022015). Collection method: clinical testing. Allele origin: germline.
Comment: This variant occurs in the TERC gene, which encodes an RNA molecule that does not result in a protein product. In summary, the available evidence is currently insufficient to determine the role of this variant in disease. Therefore, it has been classified as a Variant of Uncertain Significance. This variant is located within the BoxH/ACA scaRNA domain of the TERC RNA component, which is required for telomerase activity (PMID: 21844345). This variant has not been reported in the literature in individuals affected with TERC-related conditions. This variant is not present in population databases (gnomAD no frequency).

Literature cited by the submitters: PubMed 21844345.